The following is an entry in ClinVar:

NM_058195.4(CDKN2A):c.138G>T (p.Val46=)

Gene: CDKN2A (cyclin dependent kinase inhibitor 2A; minus strand). Cytogenetic location: 9p21.3.
Variant type: single nucleotide variant.
Coding change: c.138G>T on transcript NM_058195.4 (MANE Plus Clinical); coding-DNA position 138, G replaced by T.
Protein change: p.Val46=; no amino-acid change (valine 46 retained).
Molecular consequence: synonymous variant. On other transcripts: intron variant (1).
Genome position (GRCh38, 1-based): chr9:21,994,194, C>A on the plus strand (G>T on the coding strand, the complement: CDKN2A is on the minus strand). VCF-style: chr9-21994194-C-A. GRCh37 (hg19) VCF-style: chr9-21994193-C-A.
Other names: c.-4+627G>T (NM_001363763.2).
Identifiers: ClinVar variation 4294168 (VCV004294168.1).

ClinVar aggregate classification (germline): Benign (1 of 4 stars; one submission).

Conditions:
Melanoma-pancreatic cancer syndrome. Identifiers: Orphanet 404560, MedGen C1838547, MONDO:0011713, OMIM 606719. Disease mechanism: loss of function.

gnomAD v4.1: 1 of 1,606,324 alleles (0.000062%); highest among the groups gnomAD compares: Non-Finnish European, 0.000085%; no homozygotes.

Submission:

Myriad Genetics, Inc.
Classification: Benign for Melanoma-pancreatic cancer syndrome. Last evaluated: 2025-08-12. Review status: criteria provided, single submitter. Criteria: Myriad Autosomal Dominant, Autosomal Recessive and X-Linked Classification Criteria (2023). Collection method: clinical testing. Allele origin: unknown.
Comment: This variant is considered benign. This variant is a silent/synonymous amino acid change and it is not expected to impact splicing.